The following is an entry in ClinVar:

NM_002579.3(PALM):c.676C>A (p.Pro226Thr)

Gene: PALM (paralemmin; plus strand). Cytogenetic location: 19p13.3.
Variant type: single nucleotide variant.
Coding change: c.676C>A on transcript NM_002579.3 (MANE Select); coding-DNA position 676, C replaced by A.
Protein change: p.Pro226Thr; replaces proline 226 with threonine.
Molecular consequence: missense variant.
Genome position (GRCh38, 1-based): chr19:746,326, C>A. VCF-style: chr19-746326-C-A. GRCh37 (hg19) VCF-style: chr19-746326-C-A.
Other names: c.544C>A, p.Pro182Thr (NM_001040134.2); c.676C>A (NM_002579.2); short protein forms P182T, P226T.
Identifiers: ClinVar variation 1368094 (VCV001368094.7), dbSNP rs750340975, ClinGen allele CA9022736.

ClinVar aggregate classification (germline): Uncertain significance. Review status: criteria provided, multiple submitters, no conflicts (2 of 4 stars). 2 submissions from 2 submitters: Uncertain significance (2). Last evaluated 2025-08-02.

Allele frequency attached by ClinVar (database versions not stated): ExAC 0.00001; gnomAD 0.00001; gnomAD exomes 0.00001; TOPMed 0.00001.
gnomAD v4.1: 12 of 1,613,232 alleles (0.00074%); highest among the groups gnomAD compares: Non-Finnish European, 0.001%; no homozygotes.

Submissions (2):

Ambry Genetics
Classification: Uncertain significance. Last evaluated: 2025-08-02. Review status: criteria provided, single submitter. Criteria: Ambry Variant Classification Scheme 2023. Collection method: clinical testing. Allele origin: germline.

Labcorp Genetics (formerly Invitae), Labcorp
Classification: Uncertain significance. Last evaluated: 2021-11-23. Review status: criteria provided, single submitter. Criteria: Invitae Variant Classification Sherloc (09022015). Collection method: clinical testing. Allele origin: germline.
Comment: In summary, the available evidence is currently insufficient to determine the role of this variant in disease. Therefore, it has been classified as a Variant of Uncertain Significance. Algorithms developed to predict the effect of missense changes on protein structure and function are either unavailable or do not agree on the potential impact of this missense change (SIFT: "Deleterious"; PolyPhen-2: "Benign"; Align-GVGD: "Class C0"). This variant has not been reported in the literature in individuals affected with PALM-related conditions. This variant is present in population databases (rs750340975, gnomAD 0.003%). This sequence change replaces proline, which is neutral and non-polar, with threonine, which is neutral and polar, at codon 226 of the PALM protein (p.Pro226Thr).